The following is an entry in ClinVar:

NM_203446.3(SYNJ1):c.2446C>T (p.Pro816Ser)

Gene: SYNJ1 (synaptojanin 1; minus strand). Cytogenetic location: 21q22.11.
Variant type: single nucleotide variant.
Coding change: c.2446C>T on transcript NM_203446.3 (MANE Select); coding-DNA position 2446, C replaced by T.
Protein change: p.Pro816Ser; replaces proline 816 with serine.
Molecular consequence: missense variant.
Genome position (GRCh38, 1-based): chr21:32,657,731, G>A on the plus strand (C>T on the coding strand, the complement: SYNJ1 is on the minus strand). VCF-style: chr21-32657731-G-A. GRCh37 (hg19) VCF-style: chr21-34030041-G-A.
Other names: c.2446C>T, p.Pro816Ser (NM_001160302.2); c.2431C>T, p.Pro811Ser (NM_001160306.2); c.2563C>T, p.Pro855Ser (NM_003895.4); short protein forms P811S, P816S, P855S.
Identifiers: ClinVar variation 1026478 (VCV001026478.9), dbSNP rs1473591033, ClinGen allele CA410075081.
Genomic context (GRCh38, chr21:32,657,731, plus strand): 5'-TAAGTTTACATTAGTTCATTTAAATAAAGAAGCCCATTTCCCAACCTGATCTATCAAAAG[G>A]CCATTTCCTCCTTCTCCAAAGGACACGGTCTGTCCAGGCAGGGGTGCGGCACTTTTCACT-3'
Protein context (NP_982271.3, residues 806-826): DRVLWRRRKW[Pro816Ser]FDRSAEDLDL

ClinVar aggregate classification (germline): Uncertain significance (1 of 4 stars; one submission).

Conditions:
Developmental and epileptic encephalopathy, 53. Also called: Epileptic encephalopathy, early infantile, 53. Identifiers: MedGen C4479313, MONDO:0033362, OMIM 617389.
Early-onset Parkinson disease 20. Also called: PARKINSON DISEASE 20, AUTOSOMAL RECESSIVE EARLY-ONSET. Identifiers: Orphanet 391411, MedGen C3809824, MONDO:0014233, OMIM 615530.

Allele frequency attached by ClinVar (database versions not stated): gnomAD exomes below 0.00001 and 0.00001; TOPMed below 0.00001; gnomAD 0.00001.
gnomAD v4.1: 9 of 1,602,578 alleles (0.00056%); highest among the groups gnomAD compares: South Asian, 0.0011%; no homozygotes.

Submission:

Labcorp Genetics (formerly Invitae), Labcorp
Classification: Uncertain significance for Developmental and epileptic encephalopathy, 53; Early-onset Parkinson disease 20. Last evaluated: 2020-04-24. Review status: criteria provided, single submitter. Criteria: Invitae Variant Classification Sherloc (09022015). Collection method: clinical testing. Allele origin: germline.
Comment: This sequence change replaces proline with serine at codon 855 of the SYNJ1 protein (p.Pro855Ser). The proline residue is moderately conserved and there is a moderate physicochemical difference between proline and serine. In summary, the available evidence is currently insufficient to determine the role of this variant in disease. Therefore, it has been classified as a Variant of Uncertain Significance. Algorithms developed to predict the effect of missense changes on protein structure and function are either unavailable or do not agree on the potential impact of this missense change (SIFT: "Tolerated"; PolyPhen-2: "Possibly Damaging"; Align-GVGD: "Class C0"). This variant has not been reported in the literature in individuals with SYNJ1-related conditions. This variant is not present in population databases (ExAC no frequency).